The following is an entry in ClinVar:

ClinVar aggregate classification (germline): Likely benign (1 of 4 stars; one submission).

Submission:

CeGaT Center for Human Genetics Tuebingen
Classification: Likely benign. Last evaluated: 2022-07-01. Review status: criteria provided, single submitter. Criteria: CeGaT Center For Human Genetics Tuebingen Variant Classification Criteria Version 2. Collection method: clinical testing. Allele origin: germline. Affected: yes. Observed: 1 variant allele.
Comment: TRPA1: PM2:Supporting, BP4, BP7

NM_007332.3(TRPA1):c.1476T>C (p.Asn492=)

Genes: MSC-AS1 (MSC antisense RNA 1; plus strand), TRPA1 (transient receptor potential cation channel subfamily A member 1; minus strand). Cytogenetic location: 8q21.11.
Variant type: single nucleotide variant.
Coding change: c.1476T>C on transcript NM_007332.3 (MANE Select); coding-DNA position 1476, T replaced by C.
Protein change: p.Asn492=; no amino-acid change (asparagine 492 retained).
Molecular consequence: synonymous variant. On other transcripts: non-coding transcript variant (2).
Genome position (GRCh38, 1-based): chr8:72,055,489, A>G on the plus strand (T>C on the coding strand, the complement: TRPA1 is on the minus strand). VCF-style: chr8-72055489-A-G. GRCh37 (hg19) VCF-style: chr8-72967724-A-G.
Identifiers: ClinVar variation 2658649 (VCV002658649.24), dbSNP rs2487629811, ClinGen allele CA461343543.